The following is an entry in ClinVar:

NM_144997.7(FLCN):c.396+6C>T

Gene: FLCN (folliculin; minus strand). Cytogenetic location: 17p11.2.
Variant type: single nucleotide variant.
Coding change: c.396+6C>T on transcript NM_144997.7 (MANE Select); 6 bases into the intron after coding-DNA position 396, C replaced by T.
Molecular consequence: intron variant.
Genome position (GRCh38, 1-based): chr17:17,226,170, G>A on the plus strand (C>T on the coding strand, the complement: FLCN is on the minus strand). VCF-style: chr17-17226170-G-A. GRCh37 (hg19) VCF-style: chr17-17129484-G-A.
Other names: c.396+6C>T (LRG_325t1, NM_001353231.2, NM_001353230.2 and 3 more transcripts).
Identifiers: ClinVar variation 460614 (VCV000460614.11), dbSNP rs747922795, ClinGen allele CA8416444.
Genomic context (GRCh38, chr17:17,226,170, plus strand): 5'-CCCACCCAGAGCACCTGGGAGCATGTGGGCTCCCACAGAGACAGGCTCTGTGGCCACAAG[G>A]CTCACCTCACAGCTCAGGCTCCGGACACAGGCCTGGCGGACAATGCTGAAGAGCTGGGGG-3'

ClinVar aggregate classification (germline): Conflicting classifications of pathogenicity. Review status: criteria provided, conflicting classifications (1 of 4 stars). 4 submissions from 4 submitters: Uncertain significance (1); Likely benign (3). Last evaluated 2025-12-10.

Conditions:
Birt-Hogg-Dube syndrome. Also called: Birt Hogg Dubé syndrome. Identifiers: Orphanet 122, MedGen C0346010, MONDO:0800444.
Colorectal cancer. Also called: Colorectal cancer, somatic; Malignant Colorectal Neoplasm. Identifiers: MedGen C0346629, MONDO:0005575, OMIM 114500.
Nonpapillary renal cell carcinoma. Identifiers: Orphanet 422526, MedGen CN074294, MONDO:0007763, OMIM 144700.
Familial spontaneous pneumothorax (PSP). Identifiers: Orphanet 2903, MedGen C1868193, MONDO:0008259, OMIM 173600.
17p11.2 microduplication syndrome (PTLS). Also called: CHROMOSOME 17p11.2 DUPLICATION SYNDROME; Potocki-Lupski syndrome; Duplication 17p11.2 syndrome; Potocki-Lupski syndrome (dup(17)(p11.2p11.2)). Identifiers: Orphanet 1713, MedGen C2931246, MONDO:0012574, OMIM 610883.
Birt-Hogg-Dube syndrome 1 (BHD1). Also called: FIBROFOLLICULOMAS WITH TRICHODISCOMAS AND ACROCHORDONS. Identifiers: Orphanet 122, MedGen CN375946, MONDO:0800445, OMIM 135150.

Allele frequency attached by ClinVar (database versions not stated): TOPMed below 0.00001; gnomAD 0.00001 and 0.00002.
gnomAD v4.1: 11 of 1,613,818 alleles (0.00068%); highest among the groups gnomAD compares: African/African-American, 0.0013%; no homozygotes.

Submissions (4):

Labcorp Genetics (formerly Invitae), Labcorp
Classification: Likely benign for Birt-Hogg-Dube syndrome. Last evaluated: 2025-12-10. Review status: criteria provided, single submitter. Criteria: Invitae Variant Classification Sherloc (09022015). Collection method: clinical testing. Allele origin: germline.

Quest Diagnostics Nichols Institute San Juan Capistrano
Classification: Likely benign. Last evaluated: 2025-07-01. Review status: criteria provided, single submitter. Criteria: Quest Diagnostics criteria. Collection method: clinical testing. Allele origin: unknown.

Myriad Genetics, Inc.
Classification: Likely benign for Birt-Hogg-Dube syndrome 1. Last evaluated: 2023-12-19. Review status: criteria provided, single submitter. Criteria: Myriad Autosomal Dominant, Autosomal Recessive and X-Linked Classification Criteria (2023). Collection method: clinical testing. Allele origin: unknown.
Comment: This variant is considered likely benign. This variant is intronic and is not expected to impact mRNA splicing.

Fulgent Genetics
Classification: Uncertain significance for Colorectal cancer; Birt-Hogg-Dube syndrome 1; Nonpapillary renal cell carcinoma; Familial spontaneous pneumothorax; 17p11.2 microduplication syndrome. Last evaluated: 2022-03-03. Review status: criteria provided, single submitter. Criteria: ACMG Guidelines, 2015. Collection method: clinical testing. Allele origin: unknown.